The following is an entry in ClinVar:

NM_004100.5(EYA4):c.1709T>C (p.Ile570Thr)

Genes: EYA4 (EYA transcriptional coactivator and phosphatase 4; plus strand), TARID (TCF21 antisense RNA inducing promoter demethylation; minus strand). Cytogenetic location: 6q23.2.
Variant type: single nucleotide variant.
Coding change: c.1709T>C on transcript NM_004100.5 (MANE Select); coding-DNA position 1709, T replaced by C.
Protein change: p.Ile570Thr; replaces isoleucine 570 with threonine.
Molecular consequence: missense variant.
Genome position (GRCh38, 1-based): chr6:133,523,148, T>C. VCF-style: chr6-133523148-T-C. GRCh37 (hg19) VCF-style: chr6-133844286-T-C.
Other names: c.1547T>C, p.Ile516Thr (NM_001301012.2); c.1727T>C, p.Ile576Thr (NM_001301013.2); c.1640T>C, p.Ile547Thr (NM_001370458.1, NM_172103.4); c.1565T>C, p.Ile522Thr (NM_001370459.1); c.1709T>C, p.Ile570Thr (NM_172105.4); short protein forms I516T, I547T, I570T, I522T, I576T.
Identifiers: ClinVar variation 2786833 (VCV002786833.3), dbSNP rs2535499357, ClinGen allele CA365698850.

ClinVar aggregate classification (germline): Uncertain significance (1 of 4 stars; one submission).

Conditions:
Dilated cardiomyopathy 1J (CMD1J). Also called: CARDIOMYOPATHY, DILATED, WITH SENSORINEURAL HEARING LOSS, AUTOSOMAL DOMINANT. Identifiers: Orphanet 217622, MedGen C1854368, MONDO:0011541, OMIM 605362.

Allele frequency attached by ClinVar (database versions not stated): gnomAD exomes below 0.00001.
gnomAD v4.1: 3 of 1,612,152 alleles (0.00019%); highest among the groups gnomAD compares: East Asian, 0.0022%; no homozygotes.

Submission:

Labcorp Genetics (formerly Invitae), Labcorp
Classification: Uncertain significance for Dilated cardiomyopathy 1J. Last evaluated: 2023-07-24. Review status: criteria provided, single submitter. Criteria: Invitae Variant Classification Sherloc (09022015). Collection method: clinical testing. Allele origin: germline.
Comment: In summary, the available evidence is currently insufficient to determine the role of this variant in disease. Therefore, it has been classified as a Variant of Uncertain Significance. Advanced modeling of protein sequence and biophysical properties (such as structural, functional, and spatial information, amino acid conservation, physicochemical variation, residue mobility, and thermodynamic stability) performed at Invitae indicates that this missense variant is expected to disrupt EYA4 protein function. This variant has not been reported in the literature in individuals affected with EYA4-related conditions. This variant is not present in population databases (gnomAD no frequency). This sequence change replaces isoleucine, which is neutral and non-polar, with threonine, which is neutral and polar, at codon 570 of the EYA4 protein (p.Ile570Thr).